The following is an entry in ClinVar:

ClinVar aggregate classification (germline): Uncertain significance. Review status: reviewed by expert panel (3 of 4 stars). 7 submissions from 7 submitters: Uncertain significance (1). 6 of the submissions do not count toward it. Last evaluated 2026-10-29.

Conditions:
BRCA1-related cancer predisposition. Identifiers: MedGen CN377757, MONDO:0700268.
Hereditary cancer-predisposing syndrome. Also called: Tumor predisposition; Hereditary Cancer Syndrome; Neoplastic Syndromes, Hereditary; Hereditary neoplastic syndrome. Identifiers: Orphanet 140162, MedGen C0027672, MeSH D009386, MONDO:0015356.
Hereditary breast ovarian cancer syndrome. Also called: Hereditary breast and ovarian cancer syndrome; Hereditary breast and ovarian cancer; Hereditary breast and ovarian cancer syndrome (HBOC); BRCA1- and BRCA2-Associated Hereditary Breast and Ovarian Cancer; Hereditary breast and/or ovarian cancer syndrome; Breast and ovarian cancer. Identifiers: Orphanet 145, MedGen C0677776, MeSH D061325, MONDO:0003582. Disease mechanism: loss of function.
Breast-ovarian cancer, familial, susceptibility to, 1 (BROVCA1). Also called: OVARIAN CANCER, SUSCEPTIBILITY TO; BRCA1 Hereditary Breast and Ovarian Cancer. Identifiers: Orphanet 145, MedGen C2676676, MONDO:0011450, OMIM 604370. Disease mechanism: loss of function.

gnomAD v4.1: 13 of 1,612,798 alleles (0.00081%); highest among the groups gnomAD compares: Non-Finnish European, 0.0011%; no homozygotes.

Submissions (8):

ClinGen ENIGMA BRCA1 and BRCA2 Variant Curation Expert Panel, ClinGen
Classification: Uncertain significance for BRCA1-related cancer predisposition. Last evaluated: 2026-10-29. Review status: reviewed by expert panel. Criteria: CSpec BRCA1/2ACMG Rules Specifications V1.2. Collection method: curation. Allele origin: germline. Inheritance: Autosomal dominant inheritance.
Comment: The c.301+1G>C variant is an intronic variant within the native donor 1,2 splice site occurring in intron 5(6) of the BRCA1 gene. Legacy exon numbering is shown in parentheses. The Total GrpMax filtering allele frequency (the lower threshold of the 95% CI) in gnomAD v4.1 is 0.00000615 in the Non-Finnish European genetic ancestry group (based on 13/1178920 alleles) which is below the ENIGMA BRCA1/2 VCEP threshold (>0.00002) for BS1_Supporting and does not meet any population code (BA1, BS1, BS1_Supporting, PM2_Supporting are not met). Intronic variant, functional data considered only from assays that measure effect via mRNA and protein. Reported by two calibrated studies with discordant results: shown by one calibrated study incorporating mRNA splicing effects to exhibit function similar to benign control variants (unpublished report, Dace and Findlay 2023). Variant also reported by another calibrated study incorporating mRNA splicing to exhibit a partial impact on protein function (intermediate homologous recombination activity at 40-45%) (Mesman et al., unpublished). Variant has also been reported to exhibit function similar to pathogenic control variants (PMID:30209399), however this result has been updated in the unpublished report by Dace and Findlay 2023 (see above) due to a technical issue (PS3 and BS3 not met). Multifactorial likelihood ratio analysis using clinically calibrated data produced a combined LR for this variant of 0.16 (based on Cosegregation LR=0.25; Family History LR=0.27; Case-Control LR=2.3), within the thresholds for moderate benign evidence (LR >0.05 & ≤0.23) (BP5_Moderate met; PMIDs: 31853058, 40413188, Internal lab contributor). This variant is reported to result in aberrant mRNA splicing. Assay type: RT-PCR demonstrated that the variant impacts splicing by use of a cryptic site 9 nt upstream from 5' ss (PMID: 29750258). RT-PCRseq demonstrated that the variant impacts splicing by skipping part of exon 5(6) (r.293_301del, p.Gly98_Tyr101delinsAsp), which is in-frame. The percent of aberrant in-frame transcript produced was >40%, using a non-allele specific quantitative assessment with sequence analysis (Ambry internal data). The VCEP estimates up to 10% full-length transcript is produced by the variant allele. Preliminary code strength determined by comparison of results to PVS1 decision tree and assessment of mRNA splicing data (PVS1_Supporting (RNA) met). In summary, this variant meets the criteria to be classified as a Variant of uncertain significance for BRCA1-related cancer predisposition based on the ACMG/AMP criteria applied as specified by the ENIGMA BRCA1/2 VCEP (PVS1_Supporting (RNA), BP5_Moderate).

Ambry Genetics
Classification: Uncertain significance for Hereditary cancer-predisposing syndrome. Last evaluated: 2026-03-04. Review status: criteria provided, single submitter. Criteria: Ambry Variant Classification Scheme 2023. Collection method: clinical testing. Allele origin: germline. Not counted in ClinVar's aggregate classification.
Comment: The c.301+1G>C intronic variant results from a G to C substitution one nucleotide after coding exon 4 of the BRCA1 gene. This nucleotide position is highly conserved in available vertebrate species. In silico splice site analysis predicts that this alteration will weaken the native splice donor site. Alterations at this donor site are known to produce an in frame transcript impacting four amino acids in the BRCA1 RING domain (Ambry internal data). One functional study found that nucleotide substitutions at this donor site are non-functional in a high-throughput, genome editing, haploid cell survival assay (Findlay GM et al. Nature, 2018 10;562:217-222). Based on the available evidence, the clinical significance of this variant remains unclear.

Color Diagnostics, LLC DBA Color Health
Classification: Uncertain significance for Hereditary cancer-predisposing syndrome. Last evaluated: 2024-04-03. Review status: criteria provided, single submitter. Criteria: ACMG Guidelines, 2015. Collection method: clinical testing. Allele origin: germline. Not counted in ClinVar's aggregate classification.
Comment: This variant changes a G to C nucleotide at the +1 position of the intron 5 splice donor site in the BRCA1 gene. Splice prediction tools indicate a significant disruption to the native splice donor site and the possible activation of a cryptic donor site, resulting in an in-frame deletion at the end of exon 5. The detection of in-frame deletion in the RNA of carriers of this variant has been reported (ClinVar accession: SCV000608219.4). An RNA study for a different variant at this splice donor site, c.301+6T>C, has shown a disruption at the native donor site that is rescued by the use of a cryptic donor site resulting in the in-frame deletion of 9 nucleotides from the end of exon 5 (PMID: 21769658). To our knowledge, this variant has not been reported in individuals affected with BRCA1-related disorders in the literature. This variant has been identified in 1/251180 chromosomes in the general population by the Genome Aggregation Database (gnomAD). The available evidence is insufficient to determine the role of this variant in disease conclusively. Therefore, this variant is classified as a Variant of Uncertain Significance.

Labcorp Genetics (formerly Invitae), Labcorp
Classification: Uncertain significance for Hereditary breast ovarian cancer syndrome. Last evaluated: 2022-08-20. Review status: criteria provided, single submitter. Criteria: Invitae Variant Classification Sherloc (09022015). Collection method: clinical testing. Allele origin: germline. Not counted in ClinVar's aggregate classification.
Comment: In summary, the available evidence is currently insufficient to determine the role of this variant in disease. Therefore, it has been classified as a Variant of Uncertain Significance. While the effect of this variant (c.301+1G>C) has not been assessed experimentally, algorithms developed to predict the effect of sequence changes on RNA splicing suggest that this variant disrupts the consensus splice site and creates a cryptic donor splice site 9 nucleotides upstream, leading to the in-frame loss of 3 amino acids. This is similarly predicted and experimentally demonstrated for BRCA1 c.301+6T>C variant. These data suggest that an upstream, cryptic donor site can potentially rescue disruption of this canonical donor site, thereby preserving the integrity of the reading frame (PMID: 28408614). ClinVar contains an entry for this variant (Variation ID: 267517). This variant has not been reported in the literature in individuals affected with BRCA1-related conditions. This variant is present in population databases (rs587782173, gnomAD 0.0009%). This sequence change affects a donor splice site in intron 5 of the BRCA1 gene. It is expected to disrupt RNA splicing. Variants that disrupt the donor or acceptor splice site typically lead to a loss of protein function (PMID: 16199547), and loss-of-function variants in BRCA1 are known to be pathogenic (PMID: 20104584).

GeneDx
Classification: Uncertain significance. Last evaluated: 2022-04-13. Review status: criteria provided, single submitter. Criteria: GeneDx Variant Classification Process June 2021. Collection method: clinical testing. Allele origin: germline. Affected: yes. Not counted in ClinVar's aggregate classification.
Comment: Canonical splice site variant demonstrated to result in an in-frame isoform that replaces 3 amino acids with 1 incorrect one in the critical RING domain, with an unclear effect on protein function (Borg 2010, Paul 2014, Leman 2018); Not observed at a significant frequency in large population cohorts (gnomAD); Also known as 420+1G>C and IVS6+1G>C; This variant is associated with the following publications: (PMID: 29446198, 23239986, 29750258, 24389207, 20104584, 33087929, 30209399)

Laboratory for Molecular Medicine, Mass General Brigham Personalized Medicine
Classification: Likely pathogenic for Hereditary breast ovarian cancer syndrome. Last evaluated: 2019-10-14. Review status: criteria provided, single submitter. Criteria: ACMG Guidelines, 2015. Collection method: clinical testing. Allele origin: germline. Not counted in ClinVar's aggregate classification.
Comment: The c.301+1G>C variant in BRCA1 has not been previously reported in individuals with hereditary breast and/or ovarian cancer (HBOC) but has been identified in 1/113556 European chromosomes by gnomAD; however, this frequency is low enough to be consistent with the frequency of hereditary breast and ovarian cancer (HBOC) in the general population. This variant has also been reported in ClinVar (Variation ID: 267517). This variant occurs within the canonical splice site (+/- 1,2) and is predicted to cause altered splicing leading to an abnormal or absent protein. In vitro functional studies support an impact on protein function (Findlay 2018). Loss of function of the BRCA1 gene is an established disease mechanism in autosomal dominant HBOC. In summary, although additional studies are required to fully establish its clinical significance, this variant meets criteria to be classified as likely pathogenic for autosomal dominant HBOC ACMG/AMP Criteria applied: PVS1, PM2.

Brotman Baty Institute, University of Washington
No classification provided (evidence only). Condition: Breast-ovarian cancer, familial 1. Review status: no classification provided. Collection method: in vitro. Allele origin: not applicable. Functional consequence: functionally_abnormal. Not counted in ClinVar's aggregate classification.
ClinVar note: "not provided" was previously submitted as the classification for the variant. However, the classification appeared to be based only on an observation of functional data so it was converted to no classification on 2025-07-30.

Consortium of Investigators of Modifiers of BRCA1/2 (CIMBA), c/o University of Cambridge
Classification: Pathogenic for Breast-ovarian cancer, familial, susceptibility to, 1. Last evaluated: 2015-10-02. Review status: flagged submission. Criteria: CIMBA Mutation Classification guidelines May 2016. Collection method: clinical testing. Allele origin: germline. Not counted in ClinVar's aggregate classification.
ClinVar note: Reason: Outlier claim with insufficient supporting evidence

Literature cited by the submitters: PubMed 21769658 (cited by Ambry Genetics and Color Diagnostics, LLC DBA Color Health); PubMed 29446198 (cited by Ambry Genetics); PubMed 28408614 (cited by Labcorp Genetics (formerly Invitae), Labcorp); PubMed 16199547 (cited by Labcorp Genetics (formerly Invitae), Labcorp); PubMed 20104584 (cited by Labcorp Genetics (formerly Invitae), Labcorp); PubMed 30209399 (cited by Laboratory for Molecular Medicine, Mass General Brigham Personalized Medicine).

NM_007294.4(BRCA1):c.301+1G>C

Gene: BRCA1 (BRCA1 DNA repair associated; minus strand). Cytogenetic location: 17q21.31.
Variant type: single nucleotide variant.
Coding change: c.301+1G>C on transcript NM_007294.4 (MANE Select); the canonical splice donor site of the intron after coding-DNA position 301, G replaced by C.
Molecular consequence: splice donor variant. On other transcripts: intron variant (5).
Genome position (GRCh38, 1-based): chr17:43,104,867, C>G on the plus strand (G>C on the coding strand, the complement: BRCA1 is on the minus strand). VCF-style: chr17-43104867-C-G. GRCh37 (hg19) VCF-style: chr17-41256884-C-G.
Other names: c.91+1G>C (NM_001407897.1, NM_001407947.1, NM_001408514.1 and 58 more transcripts); c.301+1G>C (NM_001408447.1, NM_001408433.1, NM_001407690.1 and 164 more transcripts); c.160+1G>C (NM_001408458.1, NM_001407931.1, NM_001407747.1 and 99 more transcripts); c.-218-10007G>C (NM_001407967.1, NM_001407966.1); c.-81+1G>C (NM_001407959.1, NM_001407962.1, NM_001408512.1 and 4 more transcripts); c.169+1G>C (NM_001408451.1); c.223+1G>C (NM_001407874.1, NM_001408416.1, NM_001408414.1 and 21 more transcripts); c.292+10G>C (NM_001408408.1, NM_001407647.1, NM_001407646.1).
Identifiers: ClinVar variation 267517 (VCV000267517.30), dbSNP rs587782173, ClinGen allele CA055552.